The following is an entry in ClinVar:

NM_001374736.1(DST):c.16941+4A>G

Gene: DST (dystonin; minus strand). Cytogenetic location: 6p12.1.
Variant type: single nucleotide variant.
Coding change: c.16941+4A>G on transcript NM_001374736.1 (MANE Select); 4 bases into the intron after coding-DNA position 16941, A replaced by G.
Molecular consequence: intron variant.
Genome position (GRCh38, 1-based): chr6:56,535,118, T>C on the plus strand (A>G on the coding strand, the complement: DST is on the minus strand). VCF-style: chr6-56535118-T-C. GRCh37 (hg19) VCF-style: chr6-56399916-T-C.
Other names: c.10584+4A>G (NM_001144769.5); c.16941+4A>G (NM_001374722.1); c.16968+4A>G (NM_001374734.1); c.10170+4A>G (NM_001144770.2); c.10050+4A>G (NM_001374730.1, NM_183380.4); c.16308+4A>G (NM_001374729.1); c.9072+4A>G (NM_015548.5).
Identifiers: ClinVar variation 967470 (VCV000967470.8), dbSNP rs76350521, ClinGen allele CA3867569.

ClinVar aggregate classification (germline): Uncertain significance (1 of 4 stars; one submission).

Conditions:
Hereditary sensory and autonomic neuropathy type 6. Also called: Neuropathy, hereditary sensory and autonomic, type VI; HSAN VI. Identifiers: Orphanet 314381, MedGen C3539003, MONDO:0013839, OMIM 614653.
Epidermolysis bullosa simplex 3, localized or generalized intermediate, with BP230 deficiency (EBS3). Also called: Epidermolysis bullosa simplex, autosomal recessive 2; Epidermolysis bullosa simplex due to BP230 deficiency. Identifiers: Orphanet 412181, MedGen C3809470, MONDO:0014180, OMIM 615425.

Allele frequency attached by ClinVar (database versions not stated): gnomAD exomes below 0.00001; TOPMed below 0.00001; ExAC 0.00001; gnomAD 0.00001; 1000 Genomes Project 0.00020; 1000 Genomes Project 30x 0.00031.
gnomAD v4.1: 3 of 1,612,374 alleles (0.00019%); highest among the groups gnomAD compares: African/African-American, 0.0013%; no homozygotes.

Submission:

Labcorp Genetics (formerly Invitae), Labcorp
Classification: Uncertain significance for Epidermolysis bullosa simplex 3, localized or generalized intermediate, with BP230 deficiency; Hereditary sensory and autonomic neuropathy type 6. Last evaluated: 2023-01-22. Review status: criteria provided, single submitter. Criteria: Invitae Variant Classification Sherloc (09022015). Collection method: clinical testing. Allele origin: germline.
Comment: In summary, the available evidence is currently insufficient to determine the role of this variant in disease. Therefore, it has been classified as a Variant of Uncertain Significance. Variants that disrupt the consensus splice site are a relatively common cause of aberrant splicing (PMID: 17576681, 9536098). This variant has not been reported in the literature in individuals affected with DST-related conditions. This variant is not present in population databases (gnomAD no frequency). This sequence change falls in intron 44 of the DST gene. It does not directly change the encoded amino acid sequence of the DST protein. It affects a nucleotide within the consensus splice site. The DST gene has multiple clinically relevant transcripts. This variant occurs in alternate transcript NM_015548.4, and corresponds to NM_001723.5:c.*80399A>G in the primary transcript.

Literature cited by the submitters: PubMed 17576681; PubMed 9536098.